The following is an entry in ClinVar:

ClinVar aggregate classification (germline): Likely pathogenic (1 of 4 stars; one submission).

Conditions:
Bietti crystalline corneoretinal dystrophy (BCD). Also called: Bietti Crystalline Dystrophy; BIETTI TAPETORETINAL DEGENERATION WITH MARGINAL CORNEAL DYSTROPHY. Identifiers: Orphanet 41751, MedGen C1859486, MONDO:0008865, OMIM 210370.

Submission:

Genetic Diseases Diagnosis Center, Ankara Bilkent City Hospital
Classification: Likely pathogenic for Bietti crystalline corneoretinal dystrophy. Last evaluated: 2026-02-04. Review status: criteria provided, single submitter. Criteria: ACMG Guidelines, 2015. Collection method: clinical testing. Allele origin: germline. Inheritance: Autosomal recessive inheritance. Affected: yes. Observed: 1 homozygote.
Comment: The variant CYP4V2 (NM_207352.4): c.530_541delTTGAAAAACACAinsG is a complex deletion–insertion predicted to result in a frameshift and premature termination codon. Loss of function is a well-established disease mechanism for CYP4V2, which is known to cause autosomal recessive Bietti crystalline dystrophy. Therefore, this variant meets PVS1 (very strong evidence of pathogenicity). Additionally, this variant is absent from population databases, including gnomAD and other large-scale control cohorts, supporting PM2 (moderate evidence of pathogenicity). Based on the ACMG/AMP guidelines, the combination of PVS1 + PM2 supports classification of this variant as Likely Pathogenic.

NM_207352.4(CYP4V2):c.530_541delinsG (p.Leu177fs)

Gene: CYP4V2 (cytochrome P450 family 4 subfamily V member 2; plus strand). Cytogenetic location: 4q35.1.
Variant type: Indel.
Coding change: c.530_541delinsG on transcript NM_207352.4 (MANE Select); coding-DNA positions 530 to 541, TTGAAAAACACA replaced by G.
Protein change: p.Leu177fs; shifts the reading frame from leucine 177.
Molecular consequence: frameshift variant.
Genome position (GRCh38, 1-based): chr4:186,197,056-186,197,067, TTGAAAAACACA replaced by G. VCF-style: chr4-186197056-TTGAAAAACACA-G. GRCh37 (hg19) VCF-style: chr4-187118210-TTGAAAAACACA-G.
Other names: c.530_541delTTGAAAAACACAinsG (NM_207352.4); short protein forms L177fs.
Identifiers: ClinVar variation 4755396 (VCV004755396.1).
Genomic context (GRCh38, chr4:186,197,056, plus strand): 5'-CCATTCTGGAAGATTTCTTAGATATCATGAATGAACAAGCAAATATATTGGTTAAGAAAC[TTGAAAAACACA>G]TTAACCAAGAAGCATTTAACTGCTTTTTTTACATCACTCTTTGTGCCTTAGATATCATCT-3'